The following is an entry in ClinVar:

NM_004415.4(DSP):c.860A>G (p.Asn287Ser)

Gene: DSP (desmoplakin; plus strand). Cytogenetic location: 6p24.3.
Variant type: single nucleotide variant.
Coding change: c.860A>G on transcript NM_004415.4 (MANE Select); coding-DNA position 860, A replaced by G.
Protein change: p.Asn287Ser; replaces asparagine 287 with serine.
Molecular consequence: missense variant.
Genome position (GRCh38, 1-based): chr6:7,565,441, A>G. VCF-style: chr6-7565441-A-G. GRCh37 (hg19) VCF-style: chr6-7565674-A-G.
Other names: c.860A>G, p.Asn287Ser (NM_001008844.3, NM_001319034.2); short protein forms N287S.
Identifiers: ClinVar variation 44977 (VCV000044977.20), dbSNP rs138872423, ClinGen allele CA007759.
Genomic context (GRCh38, chr6:7,565,441, plus strand): 5'-ATCACCTGCGACAGCTGCAGAACATCATTCAGGCCACGTCCAGGGAGATCATGTGGATCA[A>G]TGACTGCGAGGAGGAGGAGCTGCTGTACGACTGGAGCGACAAGAACACCAACATCGCTCA-3'
Protein context (NP_004406.2, residues 277-297): QATSREIMWI[Asn287Ser]DCEEEELLYD

ClinVar aggregate classification (germline): Conflicting classifications of pathogenicity. Review status: criteria provided, conflicting classifications (1 of 4 stars). 6 submissions from 6 submitters: Likely pathogenic (1); Uncertain significance (5). Last evaluated 2024-12-11.

Conditions:
DSP-related disorder. Also called: DSP-related condition; DSP-related disorders.
Cardiovascular phenotype. Identifiers: MedGen CN230736.
Arrhythmogenic cardiomyopathy with wooly hair and keratoderma. Also called: PALMOPLANTAR KERATODERMA WITH LEFT VENTRICULAR CARDIOMYOPATHY AND WOOLLY HAIR; Arrhythmogenic cardiomyopathy with woolly hair and keratoderma; Dilated cardiomyopathy with woolly hair and keratoderma; Carvajal syndrome. Identifiers: Orphanet 65282, MedGen C1854063, MONDO:0011581, OMIM 605676.
Arrhythmogenic right ventricular dysplasia 8 (ARVD8). Also called: Arrhythmogenic Right Ventricular Dysplasia/Cardiomyopathy 8; ARRHYTHMOGENIC RIGHT VENTRICULAR DYSPLASIA, FAMILIAL, 8; ARRHYTHMOGENIC RIGHT VENTRICULAR CARDIOMYOPATHY 8. Identifiers: MedGen C1843896, MONDO:0011831, OMIM 607450.
Cardiomyopathy (CMYO). Also called: Cardiomyopathies. Identifiers: Orphanet 167848, MedGen C0878544, MONDO:0004994, HP:0001638. Inheritance: Various modes of inheritance.

Allele frequency attached by ClinVar (database versions not stated): gnomAD exomes below 0.00001; ExAC 0.00001; gnomAD 0.00003.

Submissions (6):

Ambry Genetics
Classification: Uncertain significance for Cardiovascular phenotype. Last evaluated: 2024-12-11. Review status: criteria provided, single submitter. Criteria: Ambry Variant Classification Scheme 2023. Collection method: clinical testing. Allele origin: germline.

Labcorp Genetics (formerly Invitae), Labcorp
Classification: Uncertain significance for Arrhythmogenic cardiomyopathy with wooly hair and keratoderma; Arrhythmogenic right ventricular dysplasia 8. Last evaluated: 2024-06-19. Review status: criteria provided, single submitter. Criteria: Invitae Variant Classification Sherloc (09022015). Collection method: clinical testing. Allele origin: germline.
Comment: This sequence change replaces asparagine, which is neutral and polar, with serine, which is neutral and polar, at codon 287 of the DSP protein (p.Asn287Ser). This variant is present in population databases (rs138872423, gnomAD 0.03%). This missense change has been observed in individual(s) with dilated cardiomyopathy or arrhythmogenic right ventricular cardiomyopathy (PMID: 27532257, 28472724, 30731207, 34352074). ClinVar contains an entry for this variant (Variation ID: 44977). An algorithm developed to predict the effect of missense changes on protein structure and function (PolyPhen-2) suggests that this variant is likely to be disruptive. This variant disrupts the p.Asn287 amino acid residue in DSP. Other variant(s) that disrupt this residue have been determined to be pathogenic (PMID: 11841538, 25225338, 25765472). This suggests that this residue is clinically significant, and that variants that disrupt this residue are likely to be disease-causing. In summary, the available evidence is currently insufficient to determine the role of this variant in disease. Therefore, it has been classified as a Variant of Uncertain Significance.

Blueprint Genetics
Classification: Likely pathogenic for DSP-related disorders. Last evaluated: 2020-03-06. Review status: criteria provided, single submitter. Criteria: ACMG Guidelines, 2015. Collection method: clinical testing. Allele origin: germline. Affected: yes. Observed: 2 variant alleles.

Color Diagnostics, LLC DBA Color Health
Classification: Uncertain significance for Cardiomyopathy. Last evaluated: 2019-10-18. Review status: criteria provided, single submitter. Criteria: ACMG Guidelines, 2015. Collection method: clinical testing. Allele origin: germline.
Comment: This missense variant replaces asparagine with serine at codon 287 of the DSP protein. Computational prediction suggests that this variant may have deleterious impact on protein structure and function (internally defined REVEL score threshold >= 0.7, PMID: 27666373). Splice site prediction tools suggest that this variant may not impact RNA splicing. To our knowledge, functional studies have not been performed for this variant. This variant has been reported in individuals affected with arrhythmogenic right ventricular cardiomyopathy (Fish 2010), dilated cardiomyopathy and sudden death (PMID: 28472724). This variant has been identified in 1/282786 chromosomes in the general population by the Genome Aggregation Database (gnomAD). The available evidence is insufficient to determine the role of this variant in disease conclusively. Therefore, this variant is classified as a Variant of Uncertain Significance.

CHEO Genetics Diagnostic Laboratory, Children's Hospital of Eastern Ontario
Classification: Uncertain significance for Cardiomyopathy. Last evaluated: 2018-05-01. Review status: criteria provided, single submitter. Criteria: ACMG Guidelines, 2015. Collection method: clinical testing. Allele origin: germline.

Laboratory for Molecular Medicine, Mass General Brigham Personalized Medicine
Classification: Uncertain significance. Last evaluated: 2013-10-15. Review status: criteria provided, single submitter. Criteria: LMM Criteria. Collection method: clinical testing. Allele origin: germline. Observed: 2 variant alleles.
Comment: T his variant has been identified in 1/176 of Yoruba chromosomes by the 1000 Genom es Project (dbSNP rs138872423). Computational analyses (biochemical amino acid p roperties, conservation, AlignGVGD, PolyPhen2, and SIFT) do not provide strong s upport for or against an impact to the protein. Additional information is needed to fully assess the clinical significance of the Asn287Ser variant.

Literature cited by the submitters: PubMed 27532257 (cited by Labcorp Genetics (formerly Invitae), Labcorp); PubMed 28472724 (cited by Labcorp Genetics (formerly Invitae), Labcorp); PubMed 30731207 (cited by Labcorp Genetics (formerly Invitae), Labcorp); PubMed 34352074 (cited by Labcorp Genetics (formerly Invitae), Labcorp); PubMed 11841538 (cited by Labcorp Genetics (formerly Invitae), Labcorp and Laboratory for Molecular Medicine, Mass General Brigham Personalized Medicine); PubMed 25225338 (cited by Labcorp Genetics (formerly Invitae), Labcorp); PubMed 25765472 (cited by Labcorp Genetics (formerly Invitae), Labcorp).